The following is an entry in ClinVar:

ClinVar aggregate classification (germline): Pathogenic. Review status: criteria provided, multiple submitters, no conflicts (2 of 4 stars). 6 submissions from 6 submitters: Pathogenic (6). Last evaluated 2026-09-24.

Conditions:
DICER1-related tumor predisposition. Also called: DICER1 syndrome; DICER1-related pleuropulmonary blastoma cancer predisposition syndrome. Identifiers: Orphanet 284343, MedGen C3839822, MONDO:0100216.
Hereditary cancer-predisposing syndrome. Also called: Hereditary Cancer Syndrome; Tumor predisposition; Hereditary neoplastic syndrome; Neoplastic Syndromes, Hereditary. Identifiers: Orphanet 140162, MedGen C0027672, MeSH D009386, MONDO:0015356.

Allele frequency attached by ClinVar (database versions not stated): gnomAD 0.00001; TOPMed below 0.00001.
gnomAD v4.1: 1 of 1,614,062 alleles (0.000062%); highest among the groups gnomAD compares: African/African-American, 0.0013%; no homozygotes.

Submissions (6):

Myriad Genetics, Inc.
Classification: Pathogenic for DICER1-related tumor predisposition. Last evaluated: 2026-09-24. Review status: criteria provided, single submitter. Criteria: Myriad Autosomal Dominant, Autosomal Recessive and X-Linked Classification Criteria (2023). Collection method: clinical testing. Allele origin: unknown.
Comment: This variant is considered pathogenic. This variant creates a termination codon and is predicted to result in premature protein truncation.

Labcorp Genetics (formerly Invitae), Labcorp
Classification: Pathogenic for DICER1-related tumor predisposition. Last evaluated: 2024-04-22. Review status: criteria provided, single submitter. Criteria: Invitae Variant Classification Sherloc (09022015). Collection method: clinical testing. Allele origin: germline.
Comment: This sequence change creates a premature translational stop signal (p.Trp1506*) in the DICER1 gene. It is expected to result in an absent or disrupted protein product. Loss-of-function variants in DICER1 are known to be pathogenic (PMID: 19556464, 21266384). This variant is not present in population databases (gnomAD no frequency). This premature translational stop signal has been observed in individual(s) with pleuropulmonary blastoma (PMID: 24909177). ClinVar contains an entry for this variant (Variation ID: 254336). For these reasons, this variant has been classified as Pathogenic.

GeneDx
Classification: Pathogenic. Last evaluated: 2023-09-14. Review status: criteria provided, single submitter. Criteria: GeneDx Variant Classification Process June 2021. Collection method: clinical testing. Allele origin: germline. Affected: yes.
Comment: Nonsense variant predicted to result in protein truncation or nonsense mediated decay in a gene for which loss of function is a known mechanism of disease; Not observed at significant frequency in large population cohorts (gnomAD); This variant is associated with the following publications: (PMID: 26925222, 24909177)

Ambry Genetics
Classification: Pathogenic for Hereditary cancer-predisposing syndrome. Last evaluated: 2023-05-05. Review status: criteria provided, single submitter. Criteria: Ambry Variant Classification Scheme 2023. Collection method: clinical testing. Allele origin: germline.
Comment: The p.W1506* pathogenic mutation (also known as c.4517G>A), located in coding exon 22 of the DICER1 gene, results from a G to A substitution at nucleotide position 4517. This changes the amino acid from a tryptophan to a stop codon within coding exon 22. This alteration is expected to result in loss of function by premature protein truncation or nonsense-mediated mRNA decay. As such, this alteration is interpreted as a disease-causing mutation.

Foulkes Cancer Genetics LDI, Lady Davis Institute for Medical Research
Classification: Pathogenic for Pleuropulmonary blastoma. Last evaluated: 2019-07-01. Review status: criteria provided, single submitter. Criteria: ACMG Guidelines, 2015. Collection method: curation. Allele origin: germline. Affected: yes. Observed: 2 variant alleles.
Comment: ACMG criteria met: PVS1, PM2, PP4

International Pleuropulmonary Blastoma Registry, Children's Hospitals and Clinics of Minnesota
Classification: Pathogenic for Pleuropulmonary blastoma. Last evaluated: 2014-11-10. Review status: criteria provided, single submitter. Criteria: Hill et al. (Science. 2009). Collection method: clinical testing. Allele origin: germline. Affected: yes. Study: PPB-DICER1 Genetic study.

Literature cited by the submitters: PubMed 19556464 (cited by Labcorp Genetics (formerly Invitae), Labcorp); PubMed 21266384 (cited by Labcorp Genetics (formerly Invitae), Labcorp); PubMed 24909177 (cited by Labcorp Genetics (formerly Invitae), Labcorp and Foulkes Cancer Genetics LDI, Lady Davis Institute for Medical Research); PubMed 26925222 (cited by Foulkes Cancer Genetics LDI, Lady Davis Institute for Medical Research and International Pleuropulmonary Blastoma Registry, Children's Hospitals and Clinics of Minnesota).

NM_177438.3(DICER1):c.4517G>A (p.Trp1506Ter)

Gene: DICER1 (dicer 1, ribonuclease III; minus strand). Cytogenetic location: 14q32.13.
Variant type: single nucleotide variant.
Coding change: c.4517G>A on transcript NM_177438.3 (MANE Select); coding-DNA position 4517, G replaced by A.
Protein change: p.Trp1506Ter; replaces tryptophan 1506 with a stop codon.
Molecular consequence: nonsense.
Genome position (GRCh38, 1-based): chr14:95,096,403, C>T on the plus strand (G>A on the coding strand, the complement: DICER1 is on the minus strand). VCF-style: chr14-95096403-C-T. GRCh37 (hg19) VCF-style: chr14-95562740-C-T.
Other names: c.4517G>A, p.Trp1506Ter (NM_001195573.1, NM_001271282.3, NM_001291628.2 and 1 more transcripts); short protein forms W1506*.
Identifiers: ClinVar variation 254336 (VCV000254336.13), dbSNP rs886037716, ClinGen allele CA10586414.